The following is an entry in ClinVar:

ClinVar aggregate classification (germline): Uncertain significance. Review status: criteria provided, multiple submitters, no conflicts (2 of 4 stars). 2 submissions from 2 submitters: Uncertain significance (2). Last evaluated 2025-04-05.

Conditions:
Peroxisome biogenesis disorder 5A (Zellweger) (PBD5A). Identifiers: Orphanet 912, MedGen C3553940, MONDO:0013932, OMIM 614866.
PEX2-related disorder. Also called: PEX2-related condition.

Allele frequency attached by ClinVar (database versions not stated): ExAC 0.00002.
gnomAD v4.1: 6 of 1,614,098 alleles (0.00037%); highest among the groups gnomAD compares: East Asian, 0.0022%; no homozygotes.

Submissions (2):

PreventionGenetics, part of Exact Sciences
Classification: Uncertain significance for PEX2-related condition. Last evaluated: 2025-04-05. Review status: criteria provided, single submitter. Criteria: ACMG Guidelines, 2015. Collection method: clinical testing. Allele origin: germline.
Comment: The PEX2 c.505C>T variant is predicted to result in the amino acid substitution p.Arg169Cys. To our knowledge, this variant has not been reported in the literature. This variant is reported in 0.0054% of alleles in individuals of East Asian descent in gnomAD. At this time, the clinical significance of this variant is uncertain due to the absence of conclusive functional and genetic evidence.

Labcorp Genetics (formerly Invitae), Labcorp
Classification: Uncertain significance for Peroxisome biogenesis disorder 5A (Zellweger). Last evaluated: 2022-09-19. Review status: criteria provided, single submitter. Criteria: Invitae Variant Classification Sherloc (09022015). Collection method: clinical testing. Allele origin: germline.
Comment: This sequence change replaces arginine, which is basic and polar, with cysteine, which is neutral and slightly polar, at codon 169 of the PEX2 protein (p.Arg169Cys). This variant is present in population databases (rs752394595, gnomAD 0.006%). This variant has not been reported in the literature in individuals affected with PEX2-related conditions. Advanced modeling of protein sequence and biophysical properties (such as structural, functional, and spatial information, amino acid conservation, physicochemical variation, residue mobility, and thermodynamic stability) performed at Invitae indicates that this missense variant is expected to disrupt PEX2 protein function. In summary, the available evidence is currently insufficient to determine the role of this variant in disease. Therefore, it has been classified as a Variant of Uncertain Significance.

NM_000318.3(PEX2):c.505C>T (p.Arg169Cys)

Gene: PEX2 (peroxisomal biogenesis factor 2; minus strand). Cytogenetic location: 8q21.13.
Variant type: single nucleotide variant.
Coding change: c.505C>T on transcript NM_000318.3 (MANE Select); coding-DNA position 505, C replaced by T.
Protein change: p.Arg169Cys; replaces arginine 169 with cysteine.
Molecular consequence: missense variant.
Genome position (GRCh38, 1-based): chr8:76,983,674, G>A on the plus strand (C>T on the coding strand, the complement: PEX2 is on the minus strand). VCF-style: chr8-76983674-G-A. GRCh37 (hg19) VCF-style: chr8-77895910-G-A.
Other names: c.505C>T (NM_000318.2); c.505C>T, p.Arg169Cys (NM_001079867.2, NM_001172086.2, NM_001172087.2); short protein forms R169C.
Identifiers: ClinVar variation 2151643 (VCV002151643.2), dbSNP rs752394595, ClinGen allele CA4788695.